The following is an entry in ClinVar:

NM_001353214.3(DYM):c.526A>G (p.Ile176Val)

Gene: DYM (dymeclin; minus strand). Cytogenetic location: 18q21.1.
Variant type: single nucleotide variant.
Coding change: c.526A>G on transcript NM_001353214.3 (MANE Select); coding-DNA position 526, A replaced by G.
Protein change: p.Ile176Val; replaces isoleucine 176 with valine.
Molecular consequence: missense variant. On other transcripts: intron variant (6).
Genome position (GRCh38, 1-based): chr18:49,333,822, T>C on the plus strand (A>G on the coding strand, the complement: DYM is on the minus strand). VCF-style: chr18-49333822-T-C. GRCh37 (hg19) VCF-style: chr18-46860192-T-C.
Other names: c.495-1816A>G (NM_001374436.1, NM_001374432.1); c.298A>G, p.Ile100Val (NM_001374440.1); c.526A>G, p.Ile176Val (NM_017653.6, NM_001353210.3, NM_001353213.3 and 10 more transcripts); c.194-47209A>G (NM_001374443.1); c.194-47206A>G (NM_001374444.1, NM_001374442.1, NM_001374441.1); c.523A>G, p.Ile175Val (NM_001353211.3, NM_001353212.3, NM_001374429.1 and 1 more transcripts); short protein forms I175V, I100V, I176V.
Identifiers: ClinVar variation 2187566 (VCV002187566.2), dbSNP rs35435872, ClinGen allele CA8958347.
Genomic context (GRCh38, chr18:49,333,822, plus strand): 5'-TCTGTCGCAAAACTTCTTTGTGGAAGAGTTGGCAGGAAAGGAAAACAACCATTGTTGATA[T>C]AGCTTCTACTGATATTTCATATGTAATATCTCTAAAATGGAAGAAAAACAGAGTAACAGT-3'
Protein context (NP_001340143.1, residues 166-186): DITYEISVEA[Ile176Val]STMVVFLSCQ

ClinVar aggregate classification (germline): Uncertain significance (1 of 4 stars; one submission).

Allele frequency attached by ClinVar (database versions not stated): ExAC 0.00005; gnomAD 0.00019; 1000 Genomes Project 30x 0.00047; 1000 Genomes Project 0.00060.
gnomAD v4.1: 58 of 1,612,592 alleles (0.0036%); highest among the groups gnomAD compares: African/African-American, 0.063%; no homozygotes.

Submission:

Labcorp Genetics (formerly Invitae), Labcorp
Classification: Uncertain significance. Last evaluated: 2022-07-15. Review status: criteria provided, single submitter. Criteria: Invitae Variant Classification Sherloc (09022015). Collection method: clinical testing. Allele origin: germline.
Comment: In summary, the available evidence is currently insufficient to determine the role of this variant in disease. Therefore, it has been classified as a Variant of Uncertain Significance. Algorithms developed to predict the effect of missense changes on protein structure and function output the following: SIFT: "Tolerated"; PolyPhen-2: "Benign"; Align-GVGD: "Class C0". The valine amino acid residue is found in multiple mammalian species, which suggests that this missense change does not adversely affect protein function. This variant has not been reported in the literature in individuals affected with DYM-related conditions. This variant is present in population databases (rs35435872, gnomAD 0.06%). This sequence change replaces isoleucine, which is neutral and non-polar, with valine, which is neutral and non-polar, at codon 176 of the DYM protein (p.Ile176Val).